The following is an entry in ClinVar:

NM_004369.4(COL6A3):c.1574C>T (p.Thr525Met)

Gene: COL6A3 (collagen type VI alpha 3 chain; minus strand). Cytogenetic location: 2q37.3.
Variant type: single nucleotide variant.
Coding change: c.1574C>T on transcript NM_004369.4 (MANE Select); coding-DNA position 1574, C replaced by T.
Protein change: p.Thr525Met; replaces threonine 525 with methionine.
Molecular consequence: missense variant.
Genome position (GRCh38, 1-based): chr2:237,381,238, G>A on the plus strand (C>T on the coding strand, the complement: COL6A3 is on the minus strand). VCF-style: chr2-237381238-G-A. GRCh37 (hg19) VCF-style: chr2-238289881-G-A.
Other names: c.353C>T, p.Thr118Met (NM_057164.5, NM_057166.5); c.956C>T, p.Thr319Met (NM_057165.5, NM_057167.4); short protein forms T525M, T118M, T319M.
Identifiers: ClinVar variation 335139 (VCV000335139.17), dbSNP rs755178814, ClinGen allele CA2189591.
Genomic context (GRCh38, chr2:237,381,238, plus strand): 5'-GCCCGGTAGCCGGCTGAACTCGTGAATAGGTTGTTACGAACAAAGTCTAGAGCAGAGCCC[G>A]TGTACAGGGCCGAGCCGTCCAGGGGCTTCATTTTCCGCACAGCGGTTATGACTTCCCTTT-3'
Protein context (NP_004360.2, residues 515-535): MKPLDGSALY[Thr525Met]GSALDFVRNN

ClinVar aggregate classification (germline): Conflicting classifications of pathogenicity. Review status: criteria provided, conflicting classifications (1 of 4 stars). 4 submissions from 4 submitters: Uncertain significance (2); Benign (1); Likely benign (1). Last evaluated 2025-04-13.

Conditions:
Bethlem myopathy 1A. Also called: MYOPATHY, BENIGN CONGENITAL, WITH CONTRACTURES; Bethlem myopathy 1; Bethlem Muscular Dystrophy. Identifiers: Orphanet 610, MedGen CN029274, MONDO:0024530, OMIM 158810.
Collagen 6-related myopathy. Identifiers: MedGen CN117976, MONDO:0100225.
Inborn genetic diseases. Identifiers: MedGen C0950123, MeSH D030342.

Allele frequency attached by ClinVar (database versions not stated): ExAC 0.00003; gnomAD 0.00003; gnomAD exomes 0.00003; TOPMed 0.00003.
gnomAD v4.1: 53 of 1,614,134 alleles (0.0033%); highest among the groups gnomAD compares: African/African-American, 0.0053%; no homozygotes.

Submissions (4):

Labcorp Genetics (formerly Invitae), Labcorp
Classification: Likely benign for Bethlem myopathy 1A. Last evaluated: 2025-04-13. Review status: criteria provided, single submitter. Criteria: Invitae Variant Classification Sherloc (09022015). Collection method: clinical testing. Allele origin: germline.

Ambry Genetics
Classification: Uncertain significance for Inborn genetic diseases. Last evaluated: 2024-01-29. Review status: criteria provided, single submitter. Criteria: Ambry Variant Classification Scheme 2023. Collection method: clinical testing. Allele origin: germline.

Revvity Omics, Revvity
Classification: Uncertain significance. Last evaluated: 2021-01-30. Review status: criteria provided, single submitter. Criteria: ACMG Guidelines, 2015. Collection method: clinical testing. Allele origin: germline.

Illumina Laboratory Services, Illumina
Classification: Benign for Collagen VI-related myopathy. Last evaluated: 2018-01-12. Review status: criteria provided, single submitter. Criteria: ICSL Variant Classification Criteria 13 December 2019. Collection method: clinical testing. Allele origin: germline.
Comment: This variant was observed in the ICSL laboratory as part of a predisposition screen in an ostensibly healthy population. It had not been previously curated by ICSL or reported in the Human Gene Mutation Database (HGMD: prior to June 1st, 2018), and was therefore a candidate for classification through an automated scoring system. Utilizing variant allele frequency, disease prevalence and penetrance estimates, and inheritance mode, an automated score was calculated to assess if this variant is too frequent to cause the disease. Based on the score and internal cut-off values, a variant classified as benign is not then subjected to further curation. The score for this variant resulted in a classification of benign for this disease.